The following is an entry in ClinVar:

NM_000261.2(MYOC):c.604+228A>T

Gene: MYOC (myocilin; minus strand). Cytogenetic location: 1q24.3.
Variant type: single nucleotide variant.
Coding change: c.604+228A>T on transcript NM_000261.2 (MANE Select); 228 bases into the intron after coding-DNA position 604, A replaced by T.
Molecular consequence: intron variant.
Genome position (GRCh38, 1-based): chr1:171,651,780, T>A on the plus strand (A>T on the coding strand, the complement: MYOC is on the minus strand). VCF-style: chr1-171651780-T-A. GRCh37 (hg19) VCF-style: chr1-171620920-T-A.
Identifiers: ClinVar variation 1297459 (VCV001297459.2), dbSNP rs72717876, ClinGen allele CA10909665.

ClinVar aggregate classification (germline): Benign (1 of 4 stars; one submission).

Allele frequency attached by ClinVar (database versions not stated): 1000 Genomes Project 0.02436; 1000 Genomes Project 30x 0.02577; TOPMed 0.03050; gnomAD 0.03459 and 0.03481.

Submission:

GeneDx
Classification: Benign. Last evaluated: 2018-07-07. Review status: criteria provided, single submitter. Criteria: GeneDx Variant Classification Process June 2021. Collection method: clinical testing. Allele origin: germline. Affected: yes.
Comment: This variant is associated with the following publications: (PMID: 17893664)